The following is an entry in ClinVar:

ClinVar aggregate classification (germline): Uncertain significance (1 of 4 stars; one submission).

Allele frequency attached by ClinVar (database versions not stated): TOPMed below 0.00001; gnomAD 0.00001.
gnomAD v4.1: 4 of 1,313,762 alleles (0.0003%); highest among the groups gnomAD compares: Non-Finnish European, 0.00039%; no homozygotes.

Submission:

Labcorp Genetics (formerly Invitae), Labcorp
Classification: Uncertain significance. Last evaluated: 2020-12-13. Review status: criteria provided, single submitter. Criteria: Invitae Variant Classification Sherloc (09022015). Collection method: clinical testing. Allele origin: germline.
Comment: In summary, the available evidence is currently insufficient to determine the role of this variant in disease. Therefore, it has been classified as a Variant of Uncertain Significance. Advanced modeling of protein sequence and biophysical properties (such as structural, functional, and spatial information, amino acid conservation, physicochemical variation, residue mobility, and thermodynamic stability) performed at Invitae indicates that this missense variant is not expected to disrupt GRIN2D protein function. This variant has not been reported in the literature in individuals with GRIN2D-related conditions. The frequency data for this variant in the population databases is considered unreliable, as metrics indicate insufficient coverage at this position in the ExAC database. This sequence change replaces proline with serine at codon 1263 of the GRIN2D protein (p.Pro1263Ser). The proline residue is weakly conserved and there is a moderate physicochemical difference between proline and serine.

NM_000836.4(GRIN2D):c.3787C>T (p.Pro1263Ser)

Gene: GRIN2D (glutamate ionotropic receptor NMDA type subunit 2D; plus strand). Cytogenetic location: 19q13.33.
Variant type: single nucleotide variant.
Coding change: c.3787C>T on transcript NM_000836.4 (MANE Select); coding-DNA position 3787, C replaced by T.
Protein change: p.Pro1263Ser; replaces proline 1263 with serine.
Molecular consequence: missense variant.
Genome position (GRCh38, 1-based): chr19:48,443,713, C>T. VCF-style: chr19-48443713-C-T. GRCh37 (hg19) VCF-style: chr19-48946970-C-T.
Other names: short protein forms P1263S.
Identifiers: ClinVar variation 1493573 (VCV001493573.8), dbSNP rs1164047907, ClinGen allele CA406678230.